The following is an entry in ClinVar:

ClinVar aggregate classification (germline): Uncertain significance. Review status: criteria provided, multiple submitters, no conflicts (2 of 4 stars). 2 submissions from 2 submitters: Uncertain significance (2). Last evaluated 2023-08-06.

Conditions:
Microcephaly, normal intelligence and immunodeficiency (NBS). Also called: Ataxia telangiectasia variant V1; Nijmegen breakage syndrome; Immunodeficiency, microcephaly with normal intelligence; IMMUNODEFICIENCY, MICROCEPHALY, AND CHROMOSOMAL INSTABILITY; SEEMANOVA SYNDROME II; BERLIN BREAKAGE SYNDROME. Identifiers: Orphanet 647, MedGen C0398791, MONDO:0009623, OMIM 251260.
Hereditary cancer-predisposing syndrome. Also called: Neoplastic Syndromes, Hereditary; Hereditary neoplastic syndrome; Tumor predisposition; Hereditary Cancer Syndrome. Identifiers: Orphanet 140162, MedGen C0027672, MeSH D009386, MONDO:0015356.

Allele frequency attached by ClinVar (database versions not stated): gnomAD 0.00001.
gnomAD v4.1: 1 of 1,613,686 alleles (0.000062%); highest among the groups gnomAD compares: African/African-American, 0.0013%; no homozygotes.

Submissions (2):

Ambry Genetics
Classification: Uncertain significance for Hereditary cancer-predisposing syndrome. Last evaluated: 2023-08-06. Review status: criteria provided, single submitter. Criteria: Ambry Variant Classification Scheme 2023. Collection method: clinical testing. Allele origin: germline.
Comment: The p.P338T variant (also known as c.1012C>A), located in coding exon 9 of the NBN gene, results from a C to A substitution at nucleotide position 1012. The proline at codon 338 is replaced by threonine, an amino acid with highly similar properties. This amino acid position is conserved. In addition, this alteration is predicted to be tolerated by in silico analysis. Since supporting evidence is limited at this time, the clinical significance of this alteration remains unclear.

Labcorp Genetics (formerly Invitae), Labcorp
Classification: Uncertain significance for Microcephaly, normal intelligence and immunodeficiency. Last evaluated: 2019-04-04. Review status: criteria provided, single submitter. Criteria: Invitae Variant Classification Sherloc (09022015). Collection method: clinical testing. Allele origin: germline.
Comment: In summary, the available evidence is currently insufficient to determine the role of this variant in disease. Therefore, it has been classified as a Variant of Uncertain Significance. Algorithms developed to predict the effect of missense changes on protein structure and function (SIFT, PolyPhen-2, Align-GVGD) all suggest that this variant is likely to be tolerated, but these predictions have not been confirmed by published functional studies and their clinical significance is uncertain. This variant has not been reported in the literature in individuals with NBN-related conditions. This variant is not present in population databases (ExAC no frequency). This sequence change replaces proline with threonine at codon 338 of the NBN protein (p.Pro338Thr). The proline residue is moderately conserved and there is a small physicochemical difference between proline and threonine.

NM_002485.5(NBN):c.1012C>A (p.Pro338Thr)

Gene: NBN (nibrin; minus strand). Cytogenetic location: 8q21.3.
Variant type: single nucleotide variant.
Coding change: c.1012C>A on transcript NM_002485.5 (MANE Select); coding-DNA position 1012, C replaced by A.
Protein change: p.Pro338Thr; replaces proline 338 with threonine.
Molecular consequence: missense variant.
Genome position (GRCh38, 1-based): chr8:89,958,837, G>T on the plus strand (C>A on the coding strand, the complement: NBN is on the minus strand). VCF-style: chr8-89958837-G-T. GRCh37 (hg19) VCF-style: chr8-90971065-G-T.
Other names: c.766C>A, p.Pro256Thr (NM_001024688.3); short protein forms P256T, P338T.
Identifiers: ClinVar variation 834194 (VCV000834194.11), dbSNP rs1554560467, ClinGen allele CA371656789.